The following is an entry in ClinVar:

NM_018451.5(CPAP):c.3769C>T (p.Pro1257Ser)

Genes: CPAP (centrosome assembly and centriole elongation protein; minus strand), RNF17 (ring finger protein 17; plus strand). Cytogenetic location: 13q12.12.
Variant type: single nucleotide variant.
Coding change: c.3769C>T on transcript NM_018451.5 (MANE Select); coding-DNA position 3769, C replaced by T.
Protein change: p.Pro1257Ser; replaces proline 1257 with serine.
Molecular consequence: missense variant. On other transcripts: non-coding transcript variant (2).
Genome position (GRCh38, 1-based): chr13:24,884,018, G>A on the plus strand (C>T on the coding strand, the complement: CPAP is on the minus strand). VCF-style: chr13-24884018-G-A. GRCh37 (hg19) VCF-style: chr13-25458156-G-A.
Other names: c.3769C>T (NM_018451.3); short protein forms P1257S.
Identifiers: ClinVar variation 2421045 (VCV002421045.5), dbSNP rs201774037, ClinGen allele CA6919159.
Genomic context (GRCh38, chr13:24,884,018, plus strand): 5'-CATACCGTTGTACTCTGACAATTGTACCATCTGGGAAAATGCTTTCTTCTTGTCCATCAG[G>A]AAATAAGTTTTTAACAGTCTGGTCAGGAAACGTGATTTCTTTTCTTCCATCTGGGTAATG-3'
Protein context (NP_060921.3, residues 1247-1267): FPDQTVKNLF[Pro1257Ser]DGQEESIFPD

ClinVar aggregate classification (germline): Uncertain significance. Review status: criteria provided, multiple submitters, no conflicts (2 of 4 stars). 2 submissions from 2 submitters: Uncertain significance (2). Last evaluated 2024-07-27.

Conditions:
Inborn genetic diseases. Identifiers: MedGen C0950123, MeSH D030342.

gnomAD v4.1: 22 of 1,613,940 alleles (0.0014%); highest among the groups gnomAD compares: East Asian, 0.036%; no homozygotes.

Submissions (2):

Ambry Genetics
Classification: Uncertain significance for Inborn genetic diseases. Last evaluated: 2024-07-27. Review status: criteria provided, single submitter. Criteria: Ambry Variant Classification Scheme 2023. Collection method: clinical testing. Allele origin: germline.

Labcorp Genetics (formerly Invitae), Labcorp
Classification: Uncertain significance. Last evaluated: 2022-06-14. Review status: criteria provided, single submitter. Criteria: Invitae Variant Classification Sherloc (09022015). Collection method: clinical testing. Allele origin: germline.
Comment: This sequence change replaces proline, which is neutral and non-polar, with serine, which is neutral and polar, at codon 1257 of the CENPJ protein (p.Pro1257Ser). This variant is present in population databases (rs201774037, gnomAD 0.07%). This variant has not been reported in the literature in individuals affected with CENPJ-related conditions. Algorithms developed to predict the effect of missense changes on protein structure and function (SIFT, PolyPhen-2, Align-GVGD) all suggest that this variant is likely to be tolerated. In summary, the available evidence is currently insufficient to determine the role of this variant in disease. Therefore, it has been classified as a Variant of Uncertain Significance.